The following is an entry in ClinVar:

NM_004168.4(SDHA):c.868del (p.Asp289_Leu290insTer)

Gene: SDHA (succinate dehydrogenase complex flavoprotein subunit A; plus strand). Cytogenetic location: 5p15.33.
Variant type: Deletion.
Coding change: c.868del on transcript NM_004168.4 (MANE Select); coding-DNA position 868, one base deleted (C; older notation c.868delC).
Protein change: p.Asp289_Leu290insTer.
Molecular consequence: nonsense.
Genome position (GRCh38, 1-based): chr5:230,973, C deleted; the last of 2 consecutive C bases (chr5:230,972-230,973); deleting either gives the same sequence. VCF-style (leftmost placement, unchanged base first): chr5-230971-AC-A. GRCh37 (hg19) VCF-style: chr5-231086-AC-A.
Other names: c.724del, p.Asp241_Leu242insTer (NM_001294332.2); c.868del, p.Asp289_Leu290insTer (NM_001330758.2).
Identifiers: ClinVar variation 2606374 (VCV002606374.2), dbSNP rs2477333271, ClinGen allele CA2582341570.

ClinVar aggregate classification (germline): Pathogenic (1 of 4 stars; one submission).

Conditions:
Hereditary cancer-predisposing syndrome. Also called: Tumor predisposition; Hereditary Cancer Syndrome; Hereditary neoplastic syndrome; Neoplastic Syndromes, Hereditary. Identifiers: Orphanet 140162, MedGen C0027672, MeSH D009386, MONDO:0015356.

Submission:

Ambry Genetics
Classification: Pathogenic for Hereditary cancer-predisposing syndrome. Last evaluated: 2023-07-03. Review status: criteria provided, single submitter. Criteria: Ambry Variant Classification Scheme 2023. Collection method: clinical testing. Allele origin: germline.
Comment: The c.868delC pathogenic mutation, located in coding exon 7 of the SDHA gene, results from a deletion of one nucleotide at nucleotide position 868, causing a translational frameshift with a predicted alternate stop codon (p.L290*). This variant is considered to be rare based on population cohorts in the Genome Aggregation Database (gnomAD). This alteration is expected to result in loss of function by premature protein truncation or nonsense-mediated mRNA decay. As such, this alteration is interpreted as a disease-causing mutation.